The following is an entry in ClinVar:

NM_018139.3(DNAAF2):c.2212A>G (p.Met738Val)

Gene: DNAAF2 (dynein axonemal assembly factor 2; minus strand). Cytogenetic location: 14q21.3.
Variant type: single nucleotide variant.
Coding change: c.2212A>G on transcript NM_018139.3 (MANE Select); coding-DNA position 2212, A replaced by G.
Protein change: p.Met738Val; replaces methionine 738 with valine.
Molecular consequence: missense variant. On other transcripts: initiator codon variant (1).
Genome position (GRCh38, 1-based): chr14:49,625,844, T>C on the plus strand (A>G on the coding strand, the complement: DNAAF2 is on the minus strand). VCF-style: chr14-49625844-T-C. GRCh37 (hg19) VCF-style: chr14-50092562-T-C.
Other names: c.2068A>G, p.Met690Val (NM_001083908.2); c.1A>G, p.Met1Val (NM_001378453.1); short protein forms M738V, M690V, M1V.
Identifiers: ClinVar variation 163092 (VCV000163092.5), dbSNP rs727502965, ClinGen allele CA175696.

ClinVar aggregate classification (germline): Likely benign (1 of 4 stars; one submission).

Allele frequency attached by ClinVar (database versions not stated): gnomAD exomes 0.00003.
gnomAD v4.1: 42 of 1,609,978 alleles (0.0026%); highest among the groups gnomAD compares: Non-Finnish European, 0.0036%; no homozygotes.

Submission:

Laboratory for Molecular Medicine, Mass General Brigham Personalized Medicine
Classification: Likely benign. Last evaluated: 2014-07-01. Review status: criteria provided, single submitter. Criteria: LMM Criteria. Collection method: clinical testing. Allele origin: germline. Observed: 1 variant allele.
Comment: Met738Val in exon 3 of DNAAF2: This variant is not expected to have clinical sig nificance due to a lack of evolutionary conservation of the affected amino acid. Of note, >10 mammalian species have a valine (Val) at this position.